The following is an entry in ClinVar:

ClinVar aggregate classification (germline): Uncertain significance. Review status: criteria provided, multiple submitters, no conflicts (2 of 4 stars). 2 submissions from 2 submitters: Uncertain significance (2). Last evaluated 2019-07-23.

Conditions:
Hyperekplexia 3 (HKPX3). Also called: HYPEREKPLEXIA 3, AUTOSOMAL RECESSIVE; HYPEREKPLEXIA 3, AUTOSOMAL DOMINANT. Identifiers: Orphanet 3197, MedGen C3553288, MONDO:0013827, OMIM 614618.

Allele frequency attached by ClinVar (database versions not stated): gnomAD 0.00001; gnomAD exomes 0.00002 and 0.00005; ExAC 0.00007; 1000 Genomes Project 30x 0.00016; 1000 Genomes Project 0.00020.
gnomAD v4.1: 28 of 1,614,060 alleles (0.0017%); highest among the groups gnomAD compares: South Asian, 0.031%; no homozygotes.

Submissions (2):

Baylor Genetics
Classification: Uncertain significance for Hyperekplexia 3. Last evaluated: 2019-07-23. Review status: criteria provided, single submitter. Criteria: ACMG Guidelines, 2015. Collection method: clinical testing. Allele origin: unknown. Affected: yes.
Comment: This variant was determined to be of uncertain significance according to ACMG Guidelines, 2015 [PMID:25741868].

Kasturba Medical College, Manipal, Kasturba Medical College, Manipal, Manipal Academy of Higher Education, Manipal, India
Classification: Uncertain significance for Hyperekplexia 3. Review status: criteria provided, single submitter. Criteria: ACMG Guidelines, 2015. Collection method: research. Allele origin: biparental. Inheritance: Autosomal recessive inheritance. Affected: yes. Observed: 1 homozygote.
Comment: This variant is not observed in homozygous state in the gnomAD (v4.1.0) population database and our in-house database of 3335 individuals. The same variant is present in heterozygous state in 28 individuals in gnomAD (v4.1.0) population database and two individuals in our in-house database of 3596 individuals. In silico prediction tools (MutationTaster and REVEL) are consistent in predicting the variant to be damaging to SLC6A5 protein function.

NM_004211.5(SLC6A5):c.1346G>A (p.Gly449Glu)

Gene: SLC6A5 (solute carrier family 6 member 5; plus strand). Cytogenetic location: 11p15.1.
Variant type: single nucleotide variant.
Coding change: c.1346G>A on transcript NM_004211.5 (MANE Select); coding-DNA position 1346, G replaced by A.
Protein change: p.Gly449Glu; replaces glycine 449 with glutamic acid.
Molecular consequence: missense variant.
Genome position (GRCh38, 1-based): chr11:20,626,793, G>A. VCF-style: chr11-20626793-G-A. GRCh37 (hg19) VCF-style: chr11-20648339-G-A.
Other names: c.644G>A, p.Gly215Glu (NM_001318369.2); short protein forms G215E, G449E.
Identifiers: ClinVar variation 1028704 (VCV001028704.2), dbSNP rs552955627, ClinGen allele CA5921411.